The following is an entry in ClinVar:

ClinVar aggregate classification (germline): Likely benign. Review status: criteria provided, multiple submitters, no conflicts (2 of 4 stars). 5 submissions from 5 submitters: Likely benign (4). 1 of the submissions does not count toward it. Last evaluated 2025-03-07.

Conditions:
TENM4-related disorder. Also called: TENM4-related condition.

Allele frequency attached by ClinVar (database versions not stated): 1000 Genomes Project 0.00040; 1000 Genomes Project 30x 0.00047; ExAC 0.00058; gnomAD exomes 0.00060 and 0.00099; gnomAD 0.00066 and 0.00067; TOPMed 0.00067; ESP Exome Variant Server 0.00080.
gnomAD v4.1: 1,544 of 1,613,948 alleles (0.096%); highest among the groups gnomAD compares: Non-Finnish European, 0.12%; 1 homozygote.

Submissions (5):

Mayo Clinic Laboratories, Mayo Clinic
Classification: Likely benign. Last evaluated: 2025-03-07. Review status: criteria provided, single submitter. Criteria: ACMG Guidelines, 2015. Collection method: clinical testing. Allele origin: germline. Observed: 1 variant allele.
Comment: BP4, BP7

Blueprint Genetics
Classification: Likely benign. Last evaluated: 2024-11-05. Review status: criteria provided, single submitter. Criteria: ACMG Guidelines, 2015. Collection method: clinical testing. Allele origin: germline.

CeGaT Center for Human Genetics Tuebingen
Classification: Likely benign. Last evaluated: 2023-11-01. Review status: criteria provided, single submitter. Criteria: CeGaT Center For Human Genetics Tuebingen Variant Classification Criteria Version 2. Collection method: clinical testing. Allele origin: germline. Affected: yes. Observed: 2 variant alleles.
Comment: TENM4: BP4, BS1

Labcorp Genetics (formerly Invitae), Labcorp
Classification: Likely benign. Last evaluated: 2018-05-08. Review status: criteria provided, single submitter. Criteria: Invitae Variant Classification Sherloc (09022015). Collection method: clinical testing. Allele origin: germline.

PreventionGenetics, part of Exact Sciences
Classification: Likely benign for TENM4-related condition. Last evaluated: 2019-09-10. Review status: no assertion criteria provided. Collection method: clinical testing. Allele origin: germline. Not counted in ClinVar's aggregate classification.
Comment: This variant is classified as likely benign based on ACMG/AMP sequence variant interpretation guidelines (Richards et al. 2015 PMID: 25741868, with internal and published modifications).

NM_001098816.3(TENM4):c.2709C>A (p.Gly903=)

Gene: TENM4 (teneurin transmembrane protein 4; minus strand). Cytogenetic location: 11q14.1.
Variant type: single nucleotide variant.
Coding change: c.2709C>A on transcript NM_001098816.3 (MANE Select); coding-DNA position 2709, C replaced by A.
Protein change: p.Gly903=; no amino-acid change (glycine 903 retained).
Molecular consequence: synonymous variant.
Genome position (GRCh38, 1-based): chr11:78,756,852, G>T on the plus strand (C>A on the coding strand, the complement: TENM4 is on the minus strand). VCF-style: chr11-78756852-G-T. GRCh37 (hg19) VCF-style: chr11-78467897-G-T.
Other names: p.Gly903=.
Identifiers: ClinVar variation 771449 (VCV000771449.30), dbSNP rs201248880, ClinGen allele CA6207234.